The following is an entry in ClinVar:

ClinVar aggregate classification (germline): Pathogenic (1 of 4 stars; one submission).

Conditions:
Hereditary breast ovarian cancer syndrome. Also called: Hereditary breast and ovarian cancer syndrome (HBOC); BRCA1- and BRCA2-Associated Hereditary Breast and Ovarian Cancer; Hereditary breast and ovarian cancer syndrome; Breast and ovarian cancer; Hereditary breast and ovarian cancer; Hereditary breast and/or ovarian cancer syndrome. Identifiers: Orphanet 145, MedGen C0677776, MeSH D061325, MONDO:0003582. Disease mechanism: loss of function.

Submission:

Labcorp Genetics (formerly Invitae), Labcorp
Classification: Pathogenic for Hereditary breast ovarian cancer syndrome. Last evaluated: 2017-08-22. Review status: criteria provided, single submitter. Criteria: Invitae Variant Classification Sherloc (09022015). Collection method: clinical testing. Allele origin: germline.
Comment: For these reasons, this variant has been classified as Pathogenic. Loss-of-function variants in BRCA2 are known to be pathogenic (PMID: 20104584). This variant has not been reported in the literature in individuals with a BRCA2-related disease. This sequence change creates a premature translational stop signal (p.Gln92Asnfs*4) in the BRCA2 gene. It is expected to result in an absent or disrupted protein product. This variant is not present in population databases (ExAC no frequency).

Literature cited by the submitters: PubMed 20104584.

NM_000059.4(BRCA2):c.274del (p.Gln92fs)

Gene: BRCA2 (BRCA2 DNA repair associated; plus strand). Cytogenetic location: 13q13.1.
Variant type: Deletion.
Coding change: c.274del on transcript NM_000059.4 (MANE Select); coding-DNA position 274, one base deleted (C; older notation c.274delC).
Protein change: p.Gln92fs; shifts the reading frame from glutamine 92.
Molecular consequence: frameshift variant.
Genome position (GRCh38, 1-based): chr13:32,319,283, C deleted; the last of 2 consecutive C bases (chr13:32,319,282-32,319,283); deleting either gives the same sequence. VCF-style (leftmost placement, unchanged base first): chr13-32319281-AC-A. GRCh37 (hg19) VCF-style: chr13-32893418-AC-A.
Other names: c.274delC (NM_000059.3); short protein forms Q92fs.
Identifiers: ClinVar variation 531379 (VCV000531379.9), dbSNP rs1555280425, ClinGen allele CA658798086.
Genomic context (GRCh38, chr13:32,319,281, plus strand): 5'-ATAATCAGCTGGCTTCAACTCCAATAATATTCAAAGAGCAAGGGCTGACTCTGCCGCTGT[AC>A]CAATCTCCTGTAAAAGAATTAGATAAATTCAAATTAGACTTAGGTAAGTAATGCAATATG-3'